The following is an entry in ClinVar:

NM_000492.4(CFTR):c.365A>G (p.Tyr122Cys)

Gene: CFTR (CF transmembrane conductance regulator; plus strand). Cytogenetic location: 7q31.2.
Variant type: single nucleotide variant.
Coding change: c.365A>G on transcript NM_000492.4 (MANE Select); coding-DNA position 365, A replaced by G.
Protein change: p.Tyr122Cys; replaces tyrosine 122 with cysteine.
Molecular consequence: missense variant.
Genome position (GRCh38, 1-based): chr7:117,530,990, A>G. VCF-style: chr7-117530990-A-G. GRCh37 (hg19) VCF-style: chr7-117171044-A-G.
Other names: short protein forms Y122C.
Identifiers: ClinVar variation 411120 (VCV000411120.24), dbSNP rs377295859, ClinGen allele CA4450714.

ClinVar aggregate classification (germline): Uncertain significance. Review status: criteria provided, multiple submitters, no conflicts (2 of 4 stars). 8 submissions from 8 submitters: Uncertain significance (7). 1 of the submissions does not count toward it. Last evaluated 2024-09-30.

Conditions:
Congenital bilateral aplasia of vas deferens from CFTR mutation (CBAVD). Identifiers: Orphanet 48, MedGen C0403814, MONDO:0010178, OMIM 277180. Disease mechanism: loss of function.
Bronchiectasis with or without elevated sweat chloride 1 (BESC1). Also called: Cystic Fibrosis-Like Syndrome. Identifiers: Orphanet 60033, MedGen C2749757, MONDO:0008887, OMIM 211400.
Hereditary pancreatitis (PCTT). Also called: PRSS1-Related Hereditary Pancreatitis; Hereditary chronic pancreatitis. Identifiers: Orphanet 676, MedGen C0238339, MONDO:0008185, OMIM 167800.
Cystic fibrosis (CF). Also called: MUCOVISCIDOSIS. Identifiers: Orphanet 586, MedGen C0010674, MONDO:0009061, OMIM 219700. Disease mechanism: loss of function.

Allele frequency attached by ClinVar (database versions not stated): gnomAD exomes below 0.00001; ExAC 0.00001; TOPMed 0.00002; gnomAD 0.00003; ESP Exome Variant Server 0.00008.
gnomAD v4.1: 50 of 1,613,352 alleles (0.0031%); highest among the groups gnomAD compares: Non-Finnish European, 0.0041%; no homozygotes.

Submissions (8):

Women's Health and Genetics/Laboratory Corporation of America, LabCorp
Classification: Uncertain significance. Last evaluated: 2024-09-30. Review status: criteria provided, single submitter. Criteria: LabCorp Variant Classification Summary - May 2015. Collection method: clinical testing. Allele origin: germline.
Comment: Variant summary: CFTR c.365A>G (p.Tyr122Cys) results in a non-conservative amino acid change located in the ABC transporter type 1, transmembrane domain (IPR011527) of the encoded protein sequence. Five of five in-silico tools predict a damaging effect of the variant on protein function. The variant allele was found at a frequency of 4e-06 in 251088 control chromosomes. c.365A>G has been reported in the literature in the homozygous state in at least one individual affected with chronic pancreatitis (deCid_2010). These report(s) do not provide unequivocal conclusions about association of the variant with Cystic Fibrosis. At least one publication reports experimental evidence evaluating an impact on protein function. The most pronounced variant effect resulted in approximately 28.05% of normal chloride channel conductance relative to wild type (e.g., Bihler_2024). The following publications have been ascertained in the context of this evaluation (PMID: 38388235, 25087612, 19812525). ClinVar contains an entry for this variant (Variation ID: 411120). Based on the evidence outlined above, the variant was classified as VUS-possibly pathogenic.

Ambry Genetics
Classification: Uncertain significance for Cystic fibrosis. Last evaluated: 2024-01-18. Review status: criteria provided, single submitter. Criteria: Ambry Variant Classification Scheme 2023. Collection method: clinical testing. Allele origin: germline.
Comment: The p.Y122C variant (also known as c.365A>G), located in coding exon 4 of the CFTR gene, results from an A to G substitution at nucleotide position 365. The tyrosine at codon 122 is replaced by cysteine, an amino acid with highly dissimilar properties. This variant was identified in the homozygous state in an individual with chronic pancreatitis (de Cid R et al. Pancreas, 2010 Mar;39:209-15). This amino acid position is well conserved in available vertebrate species. In addition, this alteration is predicted to be deleterious by in silico analysis. Based on available evidence to date, the clinical significance of this alteration remains unclear.

Labcorp Genetics (formerly Invitae), Labcorp
Classification: Uncertain significance for Cystic fibrosis. Last evaluated: 2022-01-12. Review status: criteria provided, single submitter. Criteria: Invitae Variant Classification Sherloc (09022015). Collection method: clinical testing. Allele origin: germline.
Comment: This sequence change replaces tyrosine, which is neutral and polar, with cysteine, which is neutral and slightly polar, at codon 122 of the CFTR protein (p.Tyr122Cys). This variant is present in population databases (rs377295859, gnomAD 0.005%). This missense change has been observed in individual(s) with chronic pancreatitis (PMID: 19812525). ClinVar contains an entry for this variant (Variation ID: 411120). Algorithms developed to predict the effect of missense changes on protein structure and function are either unavailable or do not agree on the potential impact of this missense change (SIFT: "Tolerated"; PolyPhen-2: "Possibly Damaging"; Align-GVGD: "Class C0"). In summary, the available evidence is currently insufficient to determine the role of this variant in disease. Therefore, it has been classified as a Variant of Uncertain Significance.

Genome-Nilou Lab
Classification: Uncertain significance for Cystic fibrosis. Last evaluated: 2021-09-05. Review status: criteria provided, single submitter. Criteria: ACMG Guidelines, 2015. Collection method: clinical testing. Allele origin: germline. Affected: no.

Fulgent Genetics
Classification: Uncertain significance for Hereditary pancreatitis; Bronchiectasis with or without elevated sweat chloride 1; Cystic fibrosis; Congenital bilateral aplasia of vas deferens from CFTR mutation. Last evaluated: 2021-08-05. Review status: criteria provided, single submitter. Criteria: ACMG Guidelines, 2015. Collection method: clinical testing. Allele origin: unknown.

Department of Pathology and Laboratory Medicine, Sinai Health System
Classification: Uncertain significance for cystic fibrosis. Last evaluated: 2021-07-30. Review status: criteria provided, single submitter. Criteria: ACMG Guidelines, 2015. Collection method: research. Allele origin: germline.

ARUP Laboratories, Molecular Genetics and Genomics, ARUP Laboratories
Classification: Uncertain significance. Last evaluated: 2018-12-09. Review status: criteria provided, single submitter. Criteria: ARUP Molecular Germline Variant Investigation Process. Collection method: clinical testing. Allele origin: germline.
Comment: The CFTR variant, c.365A>G; p.Tyr122Cys, has been described individuals suspected to have mild cystic fibrosis (CF) (de Cid 2010, SickKids database). This variant is reported as uncertain significance in ClinVar (Variation ID: 411120), and is only observed on three alleles in the Genome Aggregation Database, indicating it is not a common polymorphism. The tyrosine at codon 122 is moderately conserved, and computational analyses (SIFT, PolyPhen-2) predict that this variant is deleterious. Additionally, a different variant at this residue, c.364T>C; p.Tyr122His, has been described in an individual affected with congenital bilateral absence of the vas deferens (CBAVD) (Radpour 2006). Due to limited information, the clinical significance of the p.Tyr122Cys variant is uncertain at this time. References: Link to SickKids database for Tyr122Cys: de Cid R et al.Independent contribution of common CFTR variants to chronic pancreatitis. Pancreas. 2010 Mar;39(2):209-15. Radpour R et al. Two novel missense and one novel nonsense CFTR mutations in Iranian males with congenital bilateral absence of the vas deferens. Mol Hum Reprod. 2006 12(11):717-21.

Natera, Inc.
Classification: Uncertain significance for Cystic Fibrosis. Last evaluated: 2020-09-16. Review status: no assertion criteria provided. Collection method: clinical testing. Allele origin: germline. Not counted in ClinVar's aggregate classification.

Literature cited by the submitters: PubMed 19812525 (cited by 3 submitters); PubMed 25087612 (cited by Women's Health and Genetics/Laboratory Corporation of America, LabCorp); PubMed 38388235 (cited by Women's Health and Genetics/Laboratory Corporation of America, LabCorp).